The following is an entry in ClinVar:

NM_001374828.1(ARID1B):c.2520del (p.Ser841fs)

Gene: ARID1B (AT-rich interaction domain 1B; plus strand). Cytogenetic location: 6q25.3.
Variant type: Deletion.
Coding change: c.2520del on transcript NM_001374828.1 (MANE Select); coding-DNA position 2520, one base deleted (G; older notation c.2520delG).
Protein change: p.Ser841fs; shifts the reading frame from serine 841.
Molecular consequence: frameshift variant.
Genome position (GRCh38, 1-based): chr6:157,110,500, G deleted; the last of 3 consecutive G bases (chr6:157,110,498-157,110,500); deleting any one gives the same sequence. VCF-style (leftmost placement, unchanged base first): chr6-157110497-CG-C. GRCh37 (hg19) VCF-style: chr6-157431631-CG-C.
Other names: c.21del, p.Ser8fs (NM_001363725.2); c.2559del, p.Ser854fs (NM_001371656.1, NM_001374820.1); c.2520del, p.Ser841fs (NM_017519.3); short protein forms S8fs, S841fs, S854fs.
Identifiers: ClinVar variation 3723098 (VCV003723098.2).

ClinVar aggregate classification (germline): Pathogenic (1 of 4 stars; one submission).

Submission:

Labcorp Genetics (formerly Invitae), Labcorp
Classification: Pathogenic. Last evaluated: 2024-11-27. Review status: criteria provided, single submitter. Criteria: Invitae Variant Classification Sherloc (09022015). Collection method: clinical testing. Allele origin: germline.
Comment: This sequence change creates a premature translational stop signal (p.Ser771Alafs*11) in the ARID1B gene. It is expected to result in an absent or disrupted protein product. Loss-of-function variants in ARID1B are known to be pathogenic (PMID: 25674384, 30349098). This variant is not present in population databases (gnomAD no frequency). This variant has not been reported in the literature in individuals affected with ARID1B-related conditions. For these reasons, this variant has been classified as Pathogenic.

Literature cited by the submitters: PubMed 25674384; PubMed 30349098.